The following is an entry in ClinVar:

ClinVar aggregate classification (germline): Uncertain significance (1 of 4 stars; one submission).

Allele frequency attached by ClinVar (database versions not stated): gnomAD exomes 0.00001.
gnomAD v4.1: 7 of 1,596,840 alleles (0.00044%); highest among the groups gnomAD compares: Non-Finnish European, 0.0006%; no homozygotes.

Submission:

Labcorp Genetics (formerly Invitae), Labcorp
Classification: Uncertain significance. Last evaluated: 2025-06-12. Review status: criteria provided, single submitter. Criteria: Invitae Variant Classification Sherloc (09022015). Collection method: clinical testing. Allele origin: germline.
Comment: This sequence change replaces proline, which is neutral and non-polar, with threonine, which is neutral and polar, at codon 208 of the CUL3 protein (p.Pro208Thr). This variant is present in population databases (no rsID available, gnomAD 0.0009%). This variant has not been reported in the literature in individuals affected with CUL3-related conditions. ClinVar contains an entry for this variant (Variation ID: 1955009). Invitae Evidence Modeling of protein sequence and biophysical properties (such as structural, functional, and spatial information, amino acid conservation, physicochemical variation, residue mobility, and thermodynamic stability) indicates that this missense variant is expected to disrupt CUL3 protein function with a positive predictive value of 95%. In summary, the available evidence is currently insufficient to determine the role of this variant in disease. Therefore, it has been classified as a Variant of Uncertain Significance.

NM_003590.5(CUL3):c.622C>A (p.Pro208Thr)

Gene: CUL3 (cullin 3; minus strand). Cytogenetic location: 2q36.2.
Variant type: single nucleotide variant.
Coding change: c.622C>A on transcript NM_003590.5 (MANE Select); coding-DNA position 622, C replaced by A.
Protein change: p.Pro208Thr; replaces proline 208 with threonine.
Molecular consequence: missense variant.
Genome position (GRCh38, 1-based): chr2:224,513,556, G>T on the plus strand (C>A on the coding strand, the complement: CUL3 is on the minus strand). VCF-style: chr2-224513556-G-T. GRCh37 (hg19) VCF-style: chr2-225378273-G-T.
Other names: c.424C>A, p.Pro142Thr (NM_001257197.2); c.640C>A, p.Pro214Thr (NM_001257198.2); short protein forms P208T, P214T, P142T.
Identifiers: ClinVar variation 1955009 (VCV001955009.5), dbSNP rs1365715412, ClinGen allele CA350831158.